The following is an entry in ClinVar:

ClinVar aggregate classification (germline): Uncertain significance. Review status: criteria provided, multiple submitters, no conflicts (2 of 4 stars). 7 submissions from 7 submitters: Uncertain significance (7). Last evaluated 2026-01-28.

Conditions:
Hereditary nonpolyposis colorectal neoplasms. Identifiers: MedGen C0009405, MeSH D003123.
Mismatch repair cancer syndrome 3. Identifiers: MedGen C5436807, MONDO:0030841, OMIM 619097.
Endometrial carcinoma. Also called: Endometrial carcinoma, somatic. Identifiers: MedGen C0476089, MONDO:0002447, OMIM 608089, HP:0012114.
Lynch syndrome 5 (LYNCH5). Also called: Hereditary non-polyposis colorectal cancer, type 5; Colorectal cancer, hereditary nonpolyposis, type 5. Identifiers: Orphanet 144, MedGen C1833477, MONDO:0013710, OMIM 614350. Disease mechanism: loss of function.
Hereditary cancer-predisposing syndrome. Also called: Hereditary neoplastic syndrome; Tumor predisposition; Neoplastic Syndromes, Hereditary; Hereditary Cancer Syndrome. Identifiers: Orphanet 140162, MedGen C0027672, MeSH D009386, MONDO:0015356.

Allele frequency attached by ClinVar (database versions not stated): gnomAD exomes below 0.00001 and 0.00001; ExAC 0.00001.
gnomAD v4.1: 13 of 1,614,080 alleles (0.00081%); highest among the groups gnomAD compares: Admixed American, 0.0017%; no homozygotes.

Submissions (7):

Labcorp Genetics (formerly Invitae), Labcorp
Classification: Uncertain significance for Hereditary nonpolyposis colorectal neoplasms. Last evaluated: 2026-01-28. Review status: criteria provided, single submitter. Criteria: Invitae Variant Classification Sherloc (09022015). Collection method: clinical testing. Allele origin: germline.
Comment: This sequence change replaces threonine, which is neutral and polar, with alanine, which is neutral and non-polar, at codon 1247 of the MSH6 protein (p.Thr1247Ala). This variant is present in population databases (rs769360577, gnomAD 0.0009%). This missense change has been observed in individual(s) with clinical features of Lynch syndrome (PMID: 31391288). ClinVar contains an entry for this variant (Variation ID: 418851). Invitae Evidence Modeling of protein sequence and biophysical properties (such as structural, functional, and spatial information, amino acid conservation, physicochemical variation, residue mobility, and thermodynamic stability) indicates that this missense variant is expected to disrupt MSH6 protein function with a positive predictive value of 80%. RNA analysis performed to evaluate the impact of this missense change on mRNA splicing indicates it does not significantly alter splicing (internal data). In summary, the available evidence is currently insufficient to determine the role of this variant in disease. Therefore, it has been classified as a Variant of Uncertain Significance.

Ambry Genetics
Classification: Uncertain significance for Hereditary cancer-predisposing syndrome. Last evaluated: 2025-04-12. Review status: criteria provided, single submitter. Criteria: Ambry Variant Classification Scheme 2023. Collection method: clinical testing. Allele origin: germline.
Comment: The p.T1247A variant (also known as c.3739A>G), located in coding exon 8 of the MSH6 gene, results from an A to G substitution at nucleotide position 3739. The threonine at codon 1247 is replaced by alanine, an amino acid with similar properties. This amino acid position is highly conserved in available vertebrate species. In addition, this alteration is predicted to be deleterious by in silico analysis. Based on the available evidence, the clinical significance of this variant remains unclear.

GeneDx
Classification: Uncertain significance. Last evaluated: 2024-05-03. Review status: criteria provided, single submitter. Criteria: GeneDx Variant Classification Process June 2021. Collection method: clinical testing. Allele origin: germline. Affected: yes.
Comment: Observed in an individual with cancer undergoing hereditary cancer testing (PMID: 31391288); Not observed at significant frequency in large population cohorts (gnomAD); In silico analysis supports that this missense variant has a deleterious effect on protein structure/function; In silico analysis suggests this variant may impact gene splicing. In the absence of RNA/functional studies, the actual effect of this sequence change is unknown.; This variant is associated with the following publications: (PMID: 21120944, 17531815, 31391288)

Color Diagnostics, LLC DBA Color Health
Classification: Uncertain significance for Hereditary cancer-predisposing syndrome. Last evaluated: 2023-12-05. Review status: criteria provided, single submitter. Criteria: ACMG Guidelines, 2015. Collection method: clinical testing. Allele origin: germline.
Comment: This missense variant replaces threonine with alanine at codon 1247 of the MSH6 protein. Computational prediction suggests that this variant may have deleterious impact on protein structure and function (internally defined REVEL score threshold >= 0.7, PMID: 27666373). To our knowledge, functional studies have not been reported for this variant. This variant has not been reported in individuals affected with MSH6-related disorders in the literature. This variant has been identified in 1/251206 chromosomes in the general population by the Genome Aggregation Database (gnomAD). The available evidence is insufficient to determine the role of this variant in disease conclusively. Therefore, this variant is classified as a Variant of Uncertain Significance.

Baylor Genetics
Classification: Uncertain significance for Endometrial carcinoma. Last evaluated: 2023-05-24. Review status: criteria provided, single submitter. Criteria: ACMG Guidelines, 2015. Collection method: clinical testing. Allele origin: unknown.

Institute for Clinical Genetics, University Hospital TU Dresden, University Hospital TU Dresden
Classification: Uncertain significance. Last evaluated: 2021-11-03. Review status: criteria provided, single submitter. Criteria: ACMG Guidelines, 2015. Collection method: clinical testing. Allele origin: germline.

Fulgent Genetics
Classification: Uncertain significance for Endometrial carcinoma; Lynch syndrome 5; Mismatch repair cancer syndrome 3. Last evaluated: 2021-07-15. Review status: criteria provided, single submitter. Criteria: ACMG Guidelines, 2015. Collection method: clinical testing. Allele origin: unknown.

Literature cited by the submitters: PubMed 31391288 (cited by Labcorp Genetics (formerly Invitae), Labcorp).

NM_000179.3(MSH6):c.3739A>G (p.Thr1247Ala)

Gene: MSH6 (mutS homolog 6; plus strand). Cytogenetic location: 2p16.3.
Variant type: single nucleotide variant.
Coding change: c.3739A>G on transcript NM_000179.3 (MANE Select); coding-DNA position 3739, A replaced by G.
Protein change: p.Thr1247Ala; replaces threonine 1247 with alanine.
Molecular consequence: missense variant.
Genome position (GRCh38, 1-based): chr2:47,806,296, A>G. VCF-style: chr2-47806296-A-G. GRCh37 (hg19) VCF-style: chr2-48033435-A-G.
Other names: c.3349A>G, p.Thr1117Ala (NM_001281492.2); c.2833A>G, p.Thr945Ala (NM_001281493.2, NM_001281494.2); short protein forms T1247A, T945A, T1117A.
Identifiers: ClinVar variation 418851 (VCV000418851.28), dbSNP rs769360577, ClinGen allele CA071931.